The following is an entry in ClinVar:

ClinVar aggregate classification (germline): Benign/Likely benign. Review status: criteria provided, multiple submitters, no conflicts (2 of 4 stars). 5 submissions from 5 submitters: Benign (2); Likely benign (3). Last evaluated 2026-02-01.

Conditions:
Anemia, congenital dyserythropoietic, type 1a (CDAN1A). Also called: CDAN1-Related Congenital Dyserythropoietic Anemia; DYSERYTHROPOIETIC ANEMIA, CONGENITAL, TYPE Ia. Identifiers: MedGen C5574667, MONDO:0009135, OMIM 224120.

Allele frequency attached by ClinVar (database versions not stated): gnomAD exomes 0.00084; ExAC 0.00108; 1000 Genomes Project 30x 0.00219; 1000 Genomes Project 0.00240; gnomAD 0.00352 and 0.00380; TOPMed 0.00398; ESP Exome Variant Server 0.00408.
gnomAD v4.1: 1,009 of 1,614,172 alleles (0.063%); highest among the groups gnomAD compares: African/African-American, 1.2%; 2 homozygotes.

Submissions (5):

Labcorp Genetics (formerly Invitae), Labcorp
Classification: Benign. Last evaluated: 2026-02-01. Review status: criteria provided, single submitter. Criteria: Invitae Variant Classification Sherloc (09022015). Collection method: clinical testing. Allele origin: germline.

Mayo Clinic Laboratories, Mayo Clinic
Classification: Likely benign. Last evaluated: 2025-07-23. Review status: criteria provided, single submitter. Criteria: ACMG Guidelines, 2015. Collection method: clinical testing. Allele origin: germline. Observed: 11 variant alleles.
Comment: BS1

ARUP Laboratories, Molecular Genetics and Genomics, ARUP Laboratories
Classification: Likely benign for Anemia, congenital dyserythropoietic, type 1a. Last evaluated: 2024-10-02. Review status: criteria provided, single submitter. Criteria: ARUP Molecular Germline Variant Investigation Process 2024. Collection method: clinical testing. Allele origin: germline.

Blueprint Genetics
Classification: Likely benign. Last evaluated: 2024-08-21. Review status: criteria provided, single submitter. Criteria: ACMG Guidelines, 2015. Collection method: clinical testing. Allele origin: germline.

CeGaT Center for Human Genetics Tuebingen
Classification: Benign. Last evaluated: 2022-07-01. Review status: criteria provided, single submitter. Criteria: CeGaT Center For Human Genetics Tuebingen Variant Classification Criteria Version 2. Collection method: clinical testing. Allele origin: germline. Affected: yes. Observed: 1 variant allele.
Comment: CDAN1: BP4, BS1, BS2

NM_138477.4(CDAN1):c.2738A>T (p.Gln913Leu)

Gene: CDAN1 (codanin 1; minus strand). Cytogenetic location: 15q15.2.
Variant type: single nucleotide variant.
Coding change: c.2738A>T on transcript NM_138477.4 (MANE Select); coding-DNA position 2738, A replaced by T.
Protein change: p.Gln913Leu; replaces glutamine 913 with leucine.
Molecular consequence: missense variant.
Genome position (GRCh38, 1-based): chr15:42,728,718, T>A on the plus strand (A>T on the coding strand, the complement: CDAN1 is on the minus strand). VCF-style: chr15-42728718-T-A. GRCh37 (hg19) VCF-style: chr15-43020916-T-A.
Other names: p.Gln913Leu; short protein forms Q913L.
Identifiers: ClinVar variation 784318 (VCV000784318.44), dbSNP rs76947588, ClinGen allele CA7515487.